The following is an entry in ClinVar:

ClinVar aggregate classification (germline): Uncertain significance. Review status: criteria provided, multiple submitters, no conflicts (2 of 4 stars). 2 submissions from 2 submitters: Uncertain significance (2). Last evaluated 2023-02-28.

Conditions:
HNSHA due to aldolase A deficiency (GSD12). Also called: GSD XII; RED CELL ALDOLASE DEFICIENCY; GLYCOGEN STORAGE DISEASE XII; Glycogen storage disease due to aldolase A deficiency. Identifiers: Orphanet 57, MedGen C0272066, MONDO:0012747, OMIM 611881.

Allele frequency attached by ClinVar (database versions not stated): ExAC 0.00001; gnomAD exomes 0.00001 and 0.00002.
gnomAD v4.1: 12 of 1,614,158 alleles (0.00074%); highest among the groups gnomAD compares: Non-Finnish European, 0.001%; no homozygotes.

Submissions (2):

Revvity Omics, Revvity
Classification: Uncertain significance for HNSHA due to aldolase A deficiency. Last evaluated: 2023-02-28. Review status: criteria provided, single submitter. Criteria: ACMG Guidelines, 2015. Collection method: clinical testing. Allele origin: germline.

Labcorp Genetics (formerly Invitae), Labcorp
Classification: Uncertain significance for HNSHA due to aldolase A deficiency. Last evaluated: 2018-07-24. Review status: criteria provided, single submitter. Criteria: Invitae Variant Classification Sherloc (09022015). Collection method: clinical testing. Allele origin: germline.
Comment: In summary, the available evidence is currently insufficient to determine the role of this variant in disease. Therefore, it has been classified as a Variant of Uncertain Significance. Algorithms developed to predict the effect of missense changes on protein structure and function (SIFT, PolyPhen-2, Align-GVGD) all suggest that this variant is likely to be tolerated, but these predictions have not been confirmed by published functional studies and their clinical significance is uncertain. This variant has not been reported in the literature in individuals with ALDOA-related disease. This variant is present in population databases (rs570385246, ExAC 0.002%). This sequence change replaces valine with leucine at codon 105 of the ALDOA protein (p.Val105Leu). The valine residue is highly conserved and there is a small physicochemical difference between valine and leucine.

NM_001243177.4(ALDOA):c.475G>T (p.Val159Leu)

Genes: ALDOA (aldolase, fructose-bisphosphate A; plus strand), LOC112694756 (uncharaterized LOC112694756; plus strand). Cytogenetic location: 16p11.2.
Variant type: single nucleotide variant.
Coding change: c.475G>T on transcript NM_001243177.4 (MANE Select); coding-DNA position 475, G replaced by T.
Protein change: p.Val159Leu; replaces valine 159 with leucine.
Molecular consequence: missense variant. On other transcripts: 3 prime UTR variant (3).
Genome position (GRCh38, 1-based): chr16:30,067,650, G>T. VCF-style: chr16-30067650-G-T. GRCh37 (hg19) VCF-style: chr16-30078971-G-T.
Other names: c.*822G>T (NM_001365304.2, NM_001365305.2, NM_001365307.2); c.313G>T, p.Val105Leu (NM_001127617.2, NM_184041.5, NM_184043.2); short protein forms V105L, V159L.
Identifiers: ClinVar variation 1047264 (VCV001047264.10), dbSNP rs570385246, ClinGen allele CA8000919.